The following is an entry in ClinVar:

ClinVar aggregate classification (germline): Likely benign. Review status: criteria provided, multiple submitters, no conflicts (2 of 4 stars). 3 submissions from 3 submitters: Likely benign (2). 1 of the submissions does not count toward it. Last evaluated 2024-10-23.

Conditions:
Niemann-Pick disease, type A. Also called: Infantile Neurovisceral ASMD (Niemann-Pick Disease Type A; NPD-A); SPHINGOMYELIN LIPIDOSIS; SPHINGOMYELINASE DEFICIENCY. Identifiers: Orphanet 77292, MedGen C0268242, MONDO:0009756, OMIM 257200. Disease mechanism: loss of function.
SMPD1-related disorder. Also called: SMPD1-related condition.
Niemann-Pick disease, type B. Also called: Chronic Visceral ASMD (Niemann-Pick Disease Type B; NPD-B). Identifiers: Orphanet 77293, MedGen C0268243, MONDO:0011871, OMIM 607616. Disease mechanism: loss of function.

Allele frequency attached by ClinVar (database versions not stated): gnomAD 0.00001; ExAC 0.00002; gnomAD exomes 0.00002; TOPMed 0.00002.
gnomAD v4.1: 15 of 1,614,080 alleles (0.00093%); highest among the groups gnomAD compares: South Asian, 0.0066%; no homozygotes.

Submissions (3):

PreventionGenetics, part of Exact Sciences
Classification: Likely benign for SMPD1-related condition. Last evaluated: 2024-10-23. Review status: criteria provided, single submitter. Criteria: ACMG Guidelines, 2015. Collection method: clinical testing. Allele origin: germline.
Comment: This variant is classified as likely benign based on ACMG/AMP sequence variant interpretation guidelines (Richards et al. 2015 PMID: 25741868, with internal and published modifications).

Labcorp Genetics (formerly Invitae), Labcorp
Classification: Likely benign for Niemann-Pick disease, type B; Niemann-Pick disease, type A. Last evaluated: 2024-10-17. Review status: criteria provided, single submitter. Criteria: Invitae Variant Classification Sherloc (09022015). Collection method: clinical testing. Allele origin: germline.

Natera, Inc.
Classification: Likely benign for Niemann-Pick Disease, Types A/B. Last evaluated: 2021-08-24. Review status: no assertion criteria provided. Collection method: clinical testing. Allele origin: germline. Not counted in ClinVar's aggregate classification.

NM_000543.5(SMPD1):c.1473C>T (p.Ile491=)

Gene: SMPD1 (sphingomyelin phosphodiesterase 1; plus strand). Cytogenetic location: 11p15.4.
Variant type: single nucleotide variant.
Coding change: c.1473C>T on transcript NM_000543.5 (MANE Select); coding-DNA position 1473, C replaced by T.
Protein change: p.Ile491=; no amino-acid change (isoleucine 491 retained).
Molecular consequence: synonymous variant. On other transcripts: non-coding transcript variant (2).
Genome position (GRCh38, 1-based): chr11:6,394,028, C>T. VCF-style: chr11-6394028-C-T. GRCh37 (hg19) VCF-style: chr11-6415258-C-T.
Other names: c.1473C>T (NM_000543.4); c.1470C>T, p.Ile490= (NM_001007593.3); c.1473C>T, p.Ile491= (NM_001318087.2); c.552C>T, p.Ile184= (NM_001318088.2); c.1341C>T, p.Ile447= (NM_001365135.2).
Identifiers: ClinVar variation 1148246 (VCV001148246.11), dbSNP rs554647710, ClinGen allele CA5852896.